The following is an entry in ClinVar:

ClinVar aggregate classification (germline): Conflicting classifications of pathogenicity. Review status: criteria provided, conflicting classifications (1 of 4 stars). 5 submissions from 5 submitters: Uncertain significance (4); Likely benign (1). Last evaluated 2024-06-26.

Conditions:
Cardiovascular phenotype. Identifiers: MedGen CN230736.
RASopathy. Also called: rasopathies; Noonan spectrum disorder. Identifiers: Orphanet 536391, MedGen C5555857, MONDO:0021060.

gnomAD v4.1: 39 of 1,613,924 alleles (0.0024%); highest among the groups gnomAD compares: Non-Finnish European, 0.0031%; no homozygotes.

Submissions (5):

Labcorp Genetics (formerly Invitae), Labcorp
Classification: Uncertain significance for RASopathy. Last evaluated: 2024-06-26. Review status: criteria provided, single submitter. Criteria: Invitae Variant Classification Sherloc (09022015). Collection method: clinical testing. Allele origin: germline.
Comment: This sequence change replaces aspartic acid, which is acidic and polar, with histidine, which is basic and polar, at codon 1108 of the SOS1 protein (p.Asp1108His). This variant is present in population databases (rs199856844, gnomAD 0.0009%). This missense change has been observed in individual(s) with clinical features of SOS1-related conditions (PMID: 29907801). ClinVar contains an entry for this variant (Variation ID: 496304). Advanced modeling of protein sequence and biophysical properties (such as structural, functional, and spatial information, amino acid conservation, physicochemical variation, residue mobility, and thermodynamic stability) performed at Invitae indicates that this missense variant is not expected to disrupt SOS1 protein function with a negative predictive value of 80%. In summary, the available evidence is currently insufficient to determine the role of this variant in disease. Therefore, it has been classified as a Variant of Uncertain Significance.

Ambry Genetics
Classification: Uncertain significance for Cardiovascular phenotype. Last evaluated: 2023-03-20. Review status: criteria provided, single submitter. Criteria: Ambry Variant Classification Scheme 2023. Collection method: clinical testing. Allele origin: germline.
Comment: The p.D1108H variant (also known as c.3322G>C), located in coding exon 20 of the SOS1 gene, results from a G to C substitution at nucleotide position 3322. The aspartic acid at codon 1108 is replaced by histidine, an amino acid with similar properties. This alteration was reported in a prenatal subject with cystic hygroma (Leach NT et al. Genet Med, 2019 Feb;21:417-425). This amino acid position is well conserved in available vertebrate species. In addition, this alteration is predicted to be tolerated by in silico analysis. Since supporting evidence is limited at this time, the clinical significance of this alteration remains unclear.

Blueprint Genetics
Classification: Uncertain significance. Last evaluated: 2020-11-03. Review status: criteria provided, single submitter. Criteria: ACMG Guidelines, 2015. Collection method: clinical testing. Allele origin: germline.

GeneDx
Classification: Likely benign. Last evaluated: 2018-09-10. Review status: criteria provided, single submitter. Criteria: GeneDx Variant Classification Process June 2021. Collection method: clinical testing. Allele origin: germline. Affected: yes.
Comment: See Variant Classification Assertion Criteria.

Women's Health and Genetics/Laboratory Corporation of America, LabCorp
Classification: Uncertain significance. Last evaluated: 2016-05-30. Review status: criteria provided, single submitter. Criteria: LabCorp Variant Classification Summary - May 2015. Collection method: clinical testing. Allele origin: germline.
Comment: Variant summary: The SOS1 c.3322G>C (p.Asp1108His) variant involves the alteration of a higly conserved nucleotide. 3/5 in silico tools predict a damaging outcome. This variant was found in 1/121266 control chromosomes at a frequency of 0.0000082, which does not exceed the estimated maximal expected allele frequency of a pathogenic SOS1 variant (0.00003). The variant of interest is located outside of any known functional domains and has not, to our knowledge, been reported in affected individuals via publications and/or reputable databases/clinical diagnostic laboratories, nor evaluated for functional impact by in vivo/vitro studies. Due to the absence of clinical information and lack of functional studies, the variant is currently classified as a variant of uncertain significance (VUS) until additional information becomes available.

Literature cited by the submitters: PubMed 29907801 (cited by Labcorp Genetics (formerly Invitae), Labcorp and Ambry Genetics).

NM_005633.4(SOS1):c.3322G>C (p.Asp1108His)

Gene: SOS1 (SOS Ras/Rac guanine nucleotide exchange factor 1; minus strand). Cytogenetic location: 2p22.1.
Variant type: single nucleotide variant.
Coding change: c.3322G>C on transcript NM_005633.4 (MANE Select); coding-DNA position 3322, G replaced by C.
Protein change: p.Asp1108His; replaces aspartic acid 1108 with histidine.
Molecular consequence: missense variant.
Genome position (GRCh38, 1-based): chr2:38,995,147, C>G on the plus strand (G>C on the coding strand, the complement: SOS1 is on the minus strand). VCF-style: chr2-38995147-C-G. GRCh37 (hg19) VCF-style: chr2-39222288-C-G.
Other names: c.3301G>C, p.Asp1101His (NM_001382394.1); c.3322G>C, p.Asp1108His (NM_001382395.1); short protein forms D1108H, D1101H.
Identifiers: ClinVar variation 496304 (VCV000496304.10), dbSNP rs199856844, ClinGen allele CA1624225.
Genomic context (GRCh38, chr2:38,995,147, plus strand): 5'-CAAATACCTTAATGCACTTAGAATTTTTGCACCTACTTGAGTGAAAAGGGCTCGAATGAT[C>G]GGAATCAAATACACTGCAAACATCTGTGGTACTGGAAGCACCAGAAGCAGGCGGAGGTGT-3'
Protein context (NP_005624.2, residues 1098-1118): TTDVCSVFDS[Asp1108His]HSSPFHSSND